The following is an entry in ClinVar:

NM_016123.4(IRAK4):c.490+153C>A

Gene: IRAK4 (interleukin 1 receptor associated kinase 4; plus strand). Cytogenetic location: 12q12.
Variant type: single nucleotide variant.
Coding change: c.490+153C>A on transcript NM_016123.4 (MANE Select); 153 bases into the intron after coding-DNA position 490, C replaced by A.
Molecular consequence: intron variant.
Genome position (GRCh38, 1-based): chr12:43,772,515, C>A. VCF-style: chr12-43772515-C-A. GRCh37 (hg19) VCF-style: chr12-44166318-C-A.
Other names: c.118+153C>A (NM_001351338.2, NM_001351341.2, NM_001351339.2 and 5 more transcripts); c.490+153C>A (NM_001351345.2, NM_001114182.3); c.-34+153C>A (NM_001351343.2, NM_001351344.2).
Identifiers: ClinVar variation 1227664 (VCV001227664.5), dbSNP rs4251473, ClinGen allele CA236371925.

ClinVar aggregate classification (germline): Benign. Review status: criteria provided, multiple submitters, no conflicts (2 of 4 stars). 2 submissions from 2 submitters: Benign (2). Last evaluated 2023-11-12.

Allele frequency attached by ClinVar (database versions not stated): gnomAD 0.11584 and 0.11816; 1000 Genomes Project 0.12220; TOPMed 0.12258; 1000 Genomes Project 30x 0.12367.
gnomAD v4.1: 17,556 of 152,148 alleles (12%); highest among the groups gnomAD compares: African/African-American, 19%; 1,205 homozygotes.

Submissions (2):

Unidad de Genómica Garrahan, Hospital de Pediatría Garrahan
Classification: Benign. Last evaluated: 2023-11-12. Review status: criteria provided, single submitter. Criteria: ACMG Guidelines, 2015. Collection method: clinical testing. Allele origin: germline. Affected: no. Observed: 21 variant alleles.
Comment: This variant is classified as Benign based on local population frequency. This variant was detected in 22% of patients studied by a panel of primary immunodeficiencies. Number of patients: 21. Only high quality variants are reported.

GeneDx
Classification: Benign. Last evaluated: 2018-11-12. Review status: criteria provided, single submitter. Criteria: GeneDx Variant Classification Process June 2021. Collection method: clinical testing. Allele origin: germline. Affected: yes.